The following is an entry in ClinVar:

NM_033004.4(NLRP1):c.2083T>C (p.Ser695Pro)

Gene: NLRP1 (NLR family pyrin domain containing 1; minus strand). Cytogenetic location: 17p13.2.
Variant type: single nucleotide variant.
Coding change: c.2083T>C on transcript NM_033004.4 (MANE Select); coding-DNA position 2083, T replaced by C.
Protein change: p.Ser695Pro; replaces serine 695 with proline.
Molecular consequence: missense variant.
Genome position (GRCh38, 1-based): chr17:5,558,613, A>G on the plus strand (T>C on the coding strand, the complement: NLRP1 is on the minus strand). VCF-style: chr17-5558613-A-G. GRCh37 (hg19) VCF-style: chr17-5461933-A-G.
Other names: c.2083T>C, p.Ser695Pro (NM_001033053.3, NM_014922.5, NM_033006.4 and 1 more transcripts); short protein forms S695P.
Identifiers: ClinVar variation 1900189 (VCV001900189.6), dbSNP rs564484112, ClinGen allele CA8327262.

ClinVar aggregate classification (germline): Uncertain significance. Review status: criteria provided, multiple submitters, no conflicts (2 of 4 stars). 2 submissions from 2 submitters: Uncertain significance (2). Last evaluated 2025-07-28.

Conditions:
NLRP1-related disorder. Also called: NLRP1-related condition.

Allele frequency attached by ClinVar (database versions not stated): gnomAD exomes 0.00001; ExAC 0.00003; gnomAD 0.00003; 1000 Genomes Project 30x 0.00062; 1000 Genomes Project 0.00080.
gnomAD v4.1: 7 of 1,614,120 alleles (0.00043%); highest among the groups gnomAD compares: South Asian, 0.0077%; no homozygotes.

Submissions (2):

Labcorp Genetics (formerly Invitae), Labcorp
Classification: Uncertain significance. Last evaluated: 2025-07-28. Review status: criteria provided, single submitter. Criteria: Invitae Variant Classification Sherloc (09022015). Collection method: clinical testing. Allele origin: germline.
Comment: This sequence change replaces serine, which is neutral and polar, with proline, which is neutral and non-polar, at codon 695 of the NLRP1 protein (p.Ser695Pro). This variant is present in population databases (rs564484112, gnomAD 0.02%). This variant has not been reported in the literature in individuals affected with NLRP1-related conditions. ClinVar contains an entry for this variant (Variation ID: 1900189). An algorithm developed to predict the effect of missense changes on protein structure and function outputs the following: PolyPhen-2: "Benign". The proline amino acid residue is found in multiple mammalian species, which suggests that this missense change does not adversely affect protein function. In summary, the available evidence is currently insufficient to determine the role of this variant in disease. Therefore, it has been classified as a Variant of Uncertain Significance.

PreventionGenetics, part of Exact Sciences
Classification: Uncertain significance for NLRP1-related condition. Last evaluated: 2023-06-26. Review status: criteria provided, single submitter. Criteria: ACMG Guidelines, 2015. Collection method: clinical testing. Allele origin: germline.
Comment: The NLRP1 c.2083T>C variant is predicted to result in the amino acid substitution p.Ser695Pro. To our knowledge, this variant has not been reported in the literature. This variant is reported in 0.020% of alleles in individuals of South Asian descent in gnomAD. At this time, the clinical significance of this variant is uncertain due to the absence of conclusive functional and genetic evidence.